The following is an entry in ClinVar:

NM_172364.5(CACNA2D4):c.2888C>T (p.Thr963Met)

Gene: CACNA2D4 (calcium voltage-gated channel auxiliary subunit alpha2delta 4; minus strand). Cytogenetic location: 12p13.33.
Variant type: single nucleotide variant.
Coding change: c.2888C>T on transcript NM_172364.5 (MANE Select); coding-DNA position 2888, C replaced by T.
Protein change: p.Thr963Met; replaces threonine 963 with methionine.
Molecular consequence: missense variant.
Genome position (GRCh38, 1-based): chr12:1,800,419, G>A on the plus strand (C>T on the coding strand, the complement: CACNA2D4 is on the minus strand). VCF-style: chr12-1800419-G-A. GRCh37 (hg19) VCF-style: chr12-1909585-G-A.
Other names: short protein forms T963M.
Identifiers: ClinVar variation 969992 (VCV000969992.11), dbSNP rs371263217, ClinGen allele CA6386156.
Genomic context (GRCh38, chr12:1,800,419, plus strand): 5'-ACCAGCCCCGTGTCTACCCCCACTCACAGCACCAGCTCCTGCAGCAGCCACCTGGTCGCC[G>A]TCAAGAAGGCAGAAATTGGCTGGGAAGGAGAGAGTGCACACCGCTCGCACCTAGGTCCAA-3'
Protein context (NP_758952.4, residues 953-973): PLVSPISAFL[Thr963Met]ATRWLLQELV

ClinVar aggregate classification (germline): Uncertain significance. Review status: criteria provided, multiple submitters, no conflicts (2 of 4 stars). 2 submissions from 2 submitters: Uncertain significance (2). Last evaluated 2022-10-11.

Allele frequency attached by ClinVar (database versions not stated): gnomAD 0.00001 and 0.00002; gnomAD exomes 0.00004 and 0.00006; TOPMed 0.00004; ESP Exome Variant Server 0.00008; ExAC 0.00009.
gnomAD v4.1: 58 of 1,613,740 alleles (0.0036%); highest among the groups gnomAD compares: Non-Finnish European, 0.0039%; no homozygotes.

Submissions (2):

Blueprint Genetics
Classification: Uncertain significance. Last evaluated: 2022-10-11. Review status: criteria provided, single submitter. Criteria: ACMG Guidelines, 2015. Collection method: clinical testing. Allele origin: germline.

Labcorp Genetics (formerly Invitae), Labcorp
Classification: Uncertain significance. Last evaluated: 2022-07-11. Review status: criteria provided, single submitter. Criteria: Invitae Variant Classification Sherloc (09022015). Collection method: clinical testing. Allele origin: germline.
Comment: In summary, the available evidence is currently insufficient to determine the role of this variant in disease. Therefore, it has been classified as a Variant of Uncertain Significance. Algorithms developed to predict the effect of missense changes on protein structure and function output the following: SIFT: "Tolerated"; PolyPhen-2: "Benign"; Align-GVGD: "Class C0". The methionine amino acid residue is found in multiple mammalian species, which suggests that this missense change does not adversely affect protein function. ClinVar contains an entry for this variant (Variation ID: 969992). This variant has not been reported in the literature in individuals affected with CACNA2D4-related conditions. This variant is present in population databases (rs371263217, gnomAD 0.01%). This sequence change replaces threonine, which is neutral and polar, with methionine, which is neutral and non-polar, at codon 963 of the CACNA2D4 protein (p.Thr963Met).